The following is an entry in ClinVar:

NM_005450.6(NOG):c.478G>T (p.Ala160Ser)

Gene: NOG (noggin; plus strand). Cytogenetic location: 17q22.
Variant type: single nucleotide variant.
Coding change: c.478G>T on transcript NM_005450.6 (MANE Select); coding-DNA position 478, G replaced by T.
Protein change: p.Ala160Ser; replaces alanine 160 with serine.
Molecular consequence: missense variant.
Genome position (GRCh38, 1-based): chr17:56,594,701, G>T. VCF-style: chr17-56594701-G-T. GRCh37 (hg19) VCF-style: chr17-54672062-G-T.
Other names: short protein forms A160S.
Identifiers: ClinVar variation 3880238 (VCV003880238.2).
Genomic context (GRCh38, chr17:56,594,701, plus strand): 5'-AAGCTGCGGAGGAAGTTACAGATGTGGCTGTGGTCGCAGACATTCTGCCCCGTGCTGTAC[G>T]CGTGGAACGACCTGGGCAGCCGCTTTTGGCCGCGCTACGTGAAGGTGGGCAGCTGCTTCA-3'
Protein context (NP_005441.1, residues 150-170): WSQTFCPVLY[Ala160Ser]WNDLGSRFWP

ClinVar aggregate classification (germline): Uncertain significance (1 of 4 stars; one submission).

Conditions:
Inborn genetic diseases. Identifiers: MedGen C0950123, MeSH D030342.

Submission:

Ambry Genetics
Classification: Uncertain significance for Inborn genetic diseases. Last evaluated: 2025-05-29. Review status: criteria provided, single submitter. Criteria: Ambry Variant Classification Scheme 2023. Collection method: clinical testing. Allele origin: germline.
Comment: The c.478G>T (p.A160S) alteration is located in exon 1 (coding exon 1) of the NOG gene. This alteration results from a G to T substitution at nucleotide position 478, causing the alanine (A) at amino acid position 160 to be replaced by a serine (S). This variant was not reported in population-based cohorts in the Genome Aggregation Database (gnomAD). This amino acid position is not well conserved in available vertebrate species. This missense alteration is located in a region that has a low rate of benign missense variation (Lek, 2016; Firth, 2009). The in silico prediction for this alteration is inconclusive. Based on insufficient or conflicting evidence, the clinical significance of this alteration remains unclear.